The following is an entry in ClinVar:

NM_001851.6(COL9A1):c.1396-6T>C

Gene: COL9A1 (collagen type IX alpha 1 chain; minus strand). Cytogenetic location: 6q13.
Variant type: single nucleotide variant.
Coding change: c.1396-6T>C on transcript NM_001851.6 (MANE Select); 6 bases into the intron before coding-DNA position 1396, T replaced by C.
Molecular consequence: intron variant.
Genome position (GRCh38, 1-based): chr6:70,260,716, A>G on the plus strand (T>C on the coding strand, the complement: COL9A1 is on the minus strand). VCF-style: chr6-70260716-A-G. GRCh37 (hg19) VCF-style: chr6-70970419-A-G.
Other names: c.667-6T>C (NM_001377290.1, NM_078485.4, NM_001377289.1).
Identifiers: ClinVar variation 1317434 (VCV001317434.5), dbSNP rs1360782538, ClinGen allele CA827630709.

ClinVar aggregate classification (germline): Conflicting classifications of pathogenicity. Review status: criteria provided, conflicting classifications (1 of 4 stars). 2 submissions from 2 submitters: Uncertain significance (1); Likely benign (1). Last evaluated 2025-02-26.

Allele frequency attached by ClinVar (database versions not stated): gnomAD exomes below 0.00001; TOPMed below 0.00001.
gnomAD v4.1: 4 of 1,613,754 alleles (0.00025%); highest among the groups gnomAD compares: Non-Finnish European, 0.00034%; no homozygotes.

Submissions (2):

Labcorp Genetics (formerly Invitae), Labcorp
Classification: Likely benign. Last evaluated: 2025-02-26. Review status: criteria provided, single submitter. Criteria: Invitae Variant Classification Sherloc (09022015). Collection method: clinical testing. Allele origin: germline.

GeneDx
Classification: Uncertain significance. Last evaluated: 2021-01-14. Review status: criteria provided, single submitter. Criteria: GeneDx Variant Classification Process June 2021. Collection method: clinical testing. Allele origin: germline. Affected: yes.
Comment: Has not been previously published as pathogenic or benign to our knowledge; Not observed in large population cohorts (Lek et al., 2016); In silico analysis supports that this variant does not alter splicing